The following is an entry in ClinVar:

ClinVar aggregate classification (germline): Uncertain significance (1 of 4 stars; one submission).

Allele frequency attached by ClinVar (database versions not stated): gnomAD exomes below 0.00001; ExAC 0.00001.
gnomAD v4.1: 3 of 1,612,308 alleles (0.00019%); highest among the groups gnomAD compares: East Asian, 0.0022%; no homozygotes.

Submission:

Women's Health and Genetics/Laboratory Corporation of America, LabCorp
Classification: Uncertain significance. Last evaluated: 2024-07-08. Review status: criteria provided, single submitter. Criteria: LabCorp Variant Classification Summary - May 2015. Collection method: clinical testing. Allele origin: germline.
Comment: Variant summary: GUCY2D c.2818C>T (p.Arg940Trp) results in a non-conservative amino acid change located in the Adenylyl cyclase class-3/4/guanylyl cyclase domain (IPR001054) of the encoded protein sequence. Four of five in-silico tools predict a damaging effect of the variant on protein function. The variant allele was found at a frequency of 4e-06 in 249610 control chromosomes. c.2818C>T has been reported in the literature in the compound heterozygous state in individuals affected with Leber Congenital Amaurosis or cone-rod dystrophy (e.g. Rim_2017, Karali_2022, Hitti-Malin_2024). These data indicate that the variant may be associated with disease. To our knowledge, no experimental evidence demonstrating an impact on protein function has been reported. The following publications have been ascertained in the context of this evaluation (PMID: 36460718, 29145603, 38540785). ClinVar contains an entry for this variant (Variation ID: 982537). Based on the evidence outlined above, the variant was classified as VUS-possibly pathogenic.

Literature cited by the submitters: PubMed 36460718; PubMed 29145603.

NM_000180.4(GUCY2D):c.2818C>T (p.Arg940Trp)

Gene: GUCY2D (guanylate cyclase 2D, retinal; plus strand). Cytogenetic location: 17p13.1.
Variant type: single nucleotide variant.
Coding change: c.2818C>T on transcript NM_000180.4 (MANE Select); coding-DNA position 2818, C replaced by T.
Protein change: p.Arg940Trp; replaces arginine 940 with tryptophan.
Molecular consequence: missense variant.
Genome position (GRCh38, 1-based): chr17:8,015,376, C>T. VCF-style: chr17-8015376-C-T. GRCh37 (hg19) VCF-style: chr17-7918694-C-T.
Other names: short protein forms R940W.
Identifiers: ClinVar variation 982537 (VCV000982537.2), dbSNP rs768080447.
Genomic context (GRCh38, chr17:8,015,376, plus strand): 5'-TTCTTCCCCCAGGTGGAGACAATAGGGGACGCCTATATGGTGGCCTCGGGGCTGCCCCAG[C>T]GGAATGGGCAGCGACACGCGGCAGAGATCGCCAACATGTCACTGGACATCCTCAGTGCCG-3'
Protein context (NP_000171.1, residues 930-950): AYMVASGLPQ[Arg940Trp]NGQRHAAEIA